The following is an entry in ClinVar:

ClinVar aggregate classification (germline): Uncertain significance. Review status: criteria provided, multiple submitters, no conflicts (2 of 4 stars). 2 submissions from 2 submitters: Uncertain significance (2). Last evaluated 2025-09-14.

Conditions:
Pseudohypoaldosteronism type 2C (PHA2C). Also called: Pseudohypoaldosteronism Type IIC. Identifiers: Orphanet 757, Orphanet 88940, MedGen C1840391, MONDO:0013778, OMIM 614492.
Neuropathy, hereditary sensory and autonomic, type 2A (HSAN2A). Also called: ACROOSTEOLYSIS, GIACCAI TYPE; ACROOSTEOLYSIS, NEUROGENIC; MORVAN DISEASE; NEUROPATHY, CONGENITAL SENSORY; NEUROPATHY, HEREDITARY SENSORY RADICULAR, AUTOSOMAL RECESSIVE; HSAN IIA. Identifiers: Orphanet 970, MedGen C2752089, MONDO:0024309, OMIM 201300.
Inborn genetic diseases. Identifiers: MedGen C0950123, MeSH D030342.

Allele frequency attached by ClinVar (database versions not stated): gnomAD exomes below 0.00001; TOPMed below 0.00001; ExAC 0.00001.
gnomAD v4.1: 3 of 1,613,928 alleles (0.00019%); highest among the groups gnomAD compares: Non-Finnish European, 0.000085%; no homozygotes.

Submissions (2):

Labcorp Genetics (formerly Invitae), Labcorp
Classification: Uncertain significance for Neuropathy, hereditary sensory and autonomic, type 2A; Pseudohypoaldosteronism type 2C. Last evaluated: 2025-09-14. Review status: criteria provided, single submitter. Criteria: Invitae Variant Classification Sherloc (09022015). Collection method: clinical testing. Allele origin: germline.
Comment: This sequence change replaces glutamic acid, which is acidic and polar, with glycine, which is neutral and non-polar, at codon 578 of the WNK1 protein (p.Glu578Gly). This variant is present in population databases (rs753979138, gnomAD 0.004%). This variant has not been reported in the literature in individuals affected with WNK1-related conditions. ClinVar contains an entry for this variant (Variation ID: 1779022). Invitae Evidence Modeling of protein sequence and biophysical properties (such as structural, functional, and spatial information, amino acid conservation, physicochemical variation, residue mobility, and thermodynamic stability) indicates that this missense variant is not expected to disrupt WNK1 protein function with a negative predictive value of 95%. In summary, the available evidence is currently insufficient to determine the role of this variant in disease. Therefore, it has been classified as a Variant of Uncertain Significance.

Ambry Genetics
Classification: Uncertain significance for Inborn genetic diseases. Last evaluated: 2021-04-19. Review status: criteria provided, single submitter. Criteria: Ambry Variant Classification Scheme 2023. Collection method: clinical testing. Allele origin: germline.
Comment: The p.E578G variant (also known as c.1733A>G), located in coding exon 7 of the WNK1 gene, results from an A to G substitution at nucleotide position 1733. The glutamic acid at codon 578 is replaced by glycine, an amino acid with similar properties. This amino acid position is highly conserved in available vertebrate species. In addition, this alteration is predicted to be tolerated by in silico analysis. Since supporting evidence is limited at this time, the clinical significance of this alteration remains unclear.

NM_018979.4(WNK1):c.1733A>G (p.Glu578Gly)

Gene: WNK1 (WNK lysine deficient protein kinase 1; plus strand). Cytogenetic location: 12p13.33.
Variant type: single nucleotide variant.
Coding change: c.1733A>G on transcript NM_018979.4 (MANE Select); coding-DNA position 1733, A replaced by G.
Protein change: p.Glu578Gly; replaces glutamic acid 578 with glycine.
Molecular consequence: missense variant.
Genome position (GRCh38, 1-based): chr12:861,125, A>G. VCF-style: chr12-861125-A-G. GRCh37 (hg19) VCF-style: chr12-970291-A-G.
Other names: c.1733A>G, p.Glu578Gly (NM_001184985.2, NM_014823.3, NM_213655.5); short protein forms E578G.
Identifiers: ClinVar variation 1779022 (VCV001779022.3), dbSNP rs753979138, ClinGen allele CA6382015.
Genomic context (GRCh38, chr12:861,125, plus strand): 5'-TCAAAGACAGAGTATCATTAATTAAGAGGAAACGAGAGCAGCGGCAGTTGGTACGGGAGG[A>G]GCAAGAAAAAAAAAAGCAGGAAGAGAGCAGTCTCAAACAGCAGGTAGAACAATCCAGTGC-3'
Protein context (NP_061852.3, residues 568-588): KREQRQLVRE[Glu578Gly]QEKKKQEESS